The following is an entry in ClinVar:

NM_015726.4(DCAF8):c.346C>T (p.Arg116Cys)

Gene: DCAF8 (DDB1 and CUL4 associated factor 8; minus strand). Cytogenetic location: 1q23.2.
Variant type: single nucleotide variant.
Coding change: c.346C>T on transcript NM_015726.4 (MANE Select); coding-DNA position 346, C replaced by T.
Protein change: p.Arg116Cys; replaces arginine 116 with cysteine.
Molecular consequence: missense variant. On other transcripts: non-coding transcript variant (4).
Genome position (GRCh38, 1-based): chr1:160,240,074, G>A on the plus strand (C>T on the coding strand, the complement: DCAF8 is on the minus strand). VCF-style: chr1-160240074-G-A. GRCh37 (hg19) VCF-style: chr1-160209864-G-A.
Other names: short protein forms R116C.
Identifiers: ClinVar variation 4848148 (VCV004848148.1).

ClinVar aggregate classification (germline): Uncertain significance (1 of 4 stars; one submission).

gnomAD v4.1: 50 of 1,614,036 alleles (0.0031%); highest among the groups gnomAD compares: Non-Finnish European, 0.0039%; no homozygotes.

Submission:

Women's Health and Genetics/Laboratory Corporation of America, LabCorp
Classification: Uncertain significance. Last evaluated: 2026-02-24. Review status: criteria provided, single submitter. Criteria: LabCorp Variant Classification Summary - May 2015. Collection method: clinical testing. Allele origin: germline.
Comment: Variant summary: DCAF8 c.346C>T (p.Arg116Cys) results in a non-conservative amino acid change in the encoded protein sequence. Algorithms developed to predict the effect of missense changes on protein structure and function are either unavailable or do not agree on the potential impact of this missense change. The variant allele was found at a frequency of 8e-06 in 251196 control chromosomes. The available data on variant occurrences in the general population are insufficient to allow any conclusion about variant significance. To our knowledge, no occurrence of c.346C>T in individuals affected with DCAF8-related conditions and no experimental evidence demonstrating its impact on protein function have been reported. No submitters have cited clinical-significance assessments for this variant to ClinVar. Based on the evidence outlined above, the variant was classified as uncertain significance.